The following is an entry in ClinVar:

ClinVar aggregate classification (germline): Pathogenic/Likely pathogenic. Review status: criteria provided, multiple submitters, no conflicts (2 of 4 stars). 4 submissions from 4 submitters: Pathogenic (2); Likely pathogenic (2). Last evaluated 2024-03-14.
ClinVar aggregate classification (oncogenicity): Likely oncogenic (1 of 4 stars; one submission).

Conditions:
Hereditary cancer-predisposing syndrome. Also called: Hereditary Cancer Syndrome; Hereditary neoplastic syndrome; Neoplastic Syndromes, Hereditary; Tumor predisposition. Identifiers: Orphanet 140162, MedGen C0027672, MeSH D009386, MONDO:0015356.
Fanconi anemia complementation group C (FANCC). Also called: FANCONI PANCYTOPENIA, TYPE 3; Fanconi anemia, group C; FACC; FANCC-Related Fanconi Anemia. Identifiers: Orphanet 84, MedGen C3468041, MONDO:0009213, OMIM 227645.
Fanconi anemia (FA). Also called: Fanconi's anemia. Identifiers: Orphanet 84, MedGen C0015625, MeSH D005199, MONDO:0019391.
Neoplasm. Also called: Neoplasms; tumor; Neoplasm (disease). Identifiers: MedGen C0027651, MeSH D009369, MONDO:0005070, HP:0002664.

Allele frequency attached by ClinVar (database versions not stated): gnomAD 0.00001.
gnomAD v4.1: 1 of 1,614,032 alleles (0.000062%); highest among the groups gnomAD compares: African/African-American, 0.0013%; no homozygotes.

Submissions (5):

Center for Genomic Medicine, Rigshospitalet, Copenhagen University Hospital
Classification: Likely oncogenic for Neoplasm. Last evaluated: 2026-10-16. Review status: criteria provided, single submitter. Criteria: ClinGen/CGC/VICC Guidelines for Oncogenicity, 2022. Collection method: clinical testing. Allele origin: somatic. Affected: yes.

Baylor Genetics
Classification: Likely pathogenic for Fanconi anemia complementation group C. Last evaluated: 2024-03-14. Review status: criteria provided, single submitter. Criteria: ACMG Guidelines, 2015. Collection method: clinical testing. Allele origin: unknown.

Fulgent Genetics
Classification: Likely pathogenic for Fanconi anemia complementation group C. Last evaluated: 2024-01-25. Review status: criteria provided, single submitter. Criteria: ACMG Guidelines, 2015. Collection method: clinical testing. Allele origin: germline.

Ambry Genetics
Classification: Pathogenic for Hereditary cancer-predisposing syndrome. Last evaluated: 2023-11-22. Review status: criteria provided, single submitter. Criteria: Ambry Variant Classification Scheme 2023. Collection method: clinical testing. Allele origin: germline.
Comment: The p.W15* pathogenic mutation (also known as c.45G>A), located in coding exon 1 of the FANCC gene, results from a G to A substitution at nucleotide position 45. This changes the amino acid from a tryptophan to a stop codon within coding exon 1. This alteration was observed in 2/5054 African American women with breast cancer (Palmer JR et al. J Natl Cancer Inst, 2020 Dec;112:1213-1221). This alteration is expected to result in loss of function by premature protein truncation or nonsense-mediated mRNA decay. As such, this alteration is interpreted as a disease-causing mutation.

Labcorp Genetics (formerly Invitae), Labcorp
Classification: Pathogenic for Fanconi anemia. Last evaluated: 2021-11-24. Review status: criteria provided, single submitter. Criteria: Invitae Variant Classification Sherloc (09022015). Collection method: clinical testing. Allele origin: germline.
Comment: This sequence change creates a premature translational stop signal (p.Trp15*) in the FANCC gene. It is expected to result in an absent or disrupted protein product. Loss-of-function variants in FANCC are known to be pathogenic (PMID: 17924555). This variant is not present in population databases (gnomAD no frequency). This premature translational stop signal has been observed in individual(s) with breast cancer (PMID: 32427313). For these reasons, this variant has been classified as Pathogenic.

Literature cited by the submitters: PubMed 32427313 (cited by Ambry Genetics and Labcorp Genetics (formerly Invitae), Labcorp); PubMed 17924555 (cited by Labcorp Genetics (formerly Invitae), Labcorp).

NM_000136.3(FANCC):c.45G>A (p.Trp15Ter)

Gene: FANCC (FA complementation group C; minus strand). Cytogenetic location: 9q22.32.
Variant type: single nucleotide variant.
Coding change: c.45G>A on transcript NM_000136.3 (MANE Select); coding-DNA position 45, G replaced by A.
Protein change: p.Trp15Ter; replaces tryptophan 15 with a stop codon.
Molecular consequence: nonsense.
Genome position (GRCh38, 1-based): chr9:95,249,247, C>T on the plus strand (G>A on the coding strand, the complement: FANCC is on the minus strand). VCF-style: chr9-95249247-C-T. GRCh37 (hg19) VCF-style: chr9-98011529-C-T.
Other names: c.45G>A, p.Trp15Ter (NM_001243743.2, NM_001243744.2); c.45G>A (NM_000136.2); short protein forms W15*.
Identifiers: ClinVar variation 1451646 (VCV001451646.10), dbSNP rs1831179586, ClinGen allele CA374340459.